The following is an entry in ClinVar:

ClinVar aggregate classification (germline): Pathogenic (1 of 4 stars; one submission).

Conditions:
Autosomal recessive limb-girdle muscular dystrophy type 2A (LGMDR1). Also called: LEYDEN-MOEBIUS MUSCULAR DYSTROPHY; MUSCULAR DYSTROPHY, PELVOFEMORAL; Limb-girdle muscular dystrophy, type 2A; Calpainopathy; Muscular dystrophy, limb-girdle, type 2A, Amish. Identifiers: Orphanet 267, MedGen C1869123, MONDO:0009675, OMIM 253600. Disease mechanism: loss of function.

Submission:

Labcorp Genetics (formerly Invitae), Labcorp
Classification: Pathogenic for Autosomal recessive limb-girdle muscular dystrophy type 2A. Last evaluated: 2020-05-11. Review status: criteria provided, single submitter. Criteria: Invitae Variant Classification Sherloc (09022015). Collection method: clinical testing. Allele origin: germline.
Comment: Loss-of-function variants in CAPN3 are known to be pathogenic (PMID: 10330340, 15689361). For these reasons, this variant has been classified as Pathogenic. This variant has not been reported in the literature in individuals with CAPN3-related conditions. This variant is not present in population databases (ExAC no frequency). This sequence change creates a premature translational stop signal (p.Lys531Glnfs*46) in the CAPN3 gene. It is expected to result in an absent or disrupted protein product.

Literature cited by the submitters: PubMed 10330340; PubMed 15689361.

NM_000070.3(CAPN3):c.1590dup (p.Lys531fs)

Gene: CAPN3 (calpain 3; plus strand). Cytogenetic location: 15q15.1.
Variant type: Duplication.
Coding change: c.1590dup on transcript NM_000070.3 (MANE Select); coding-DNA position 1590, one base duplicated (C; older notation c.1590dupC).
Protein change: p.Lys531fs; shifts the reading frame from lysine 531.
Molecular consequence: frameshift variant.
Genome position (GRCh38, 1-based): chr15:42,402,847, C duplicated; the last of 2 consecutive C bases (chr15:42,402,846-42,402,847); duplicating either gives the same sequence. VCF-style (leftmost placement, unchanged base first): chr15-42402845-T-TC. GRCh37 (hg19) VCF-style: chr15-42695043-T-TC.
Other names: c.1590dup, p.Lys531fs (NM_024344.2); c.1446dup, p.Lys483fs (NM_173087.2); c.54dup, p.Lys19fs (NM_173088.2); short protein forms K19fs, K483fs, K531fs.
Identifiers: ClinVar variation 1071335 (VCV001071335.7), dbSNP rs2141202919, ClinGen allele CA2499222911.
Genomic context (GRCh38, chr15:42,402,845, plus strand): 5'-ATCTCTCAGATGCACGGGAACAAGCAGCACCTGCAGAAGGACTTCTTCCTGTACAACGCC[T>TC]CCAAGGCCAGGAGCAAAACCTACATCAACATGCGGGAGGTGTCCCAGCGCTTCCGCCTGC-3'